The following is an entry in ClinVar:

ClinVar aggregate classification (germline): Pathogenic/Likely pathogenic. Review status: criteria provided, multiple submitters, no conflicts (2 of 4 stars). 2 submissions from 2 submitters: Pathogenic (1); Likely pathogenic (1). Last evaluated 2024-12-23.

Conditions:
Autosomal recessive polycystic kidney disease (ARPKD). Also called: AR polycystic kidney disease. Identifiers: Orphanet 731, Orphanet 8378, MedGen C0085548, MeSH D017044, MONDO:0009889.

Submissions (2):

Natera, Inc.
Classification: Likely pathogenic for Autosomal recessive polycystic kidney disease. Last evaluated: 2024-12-23. Review status: criteria provided, single submitter. Criteria: Natera Variant Classification Schema (03/2026). Collection method: clinical testing. Allele origin: germline.
Comment: The c.6273_6285delAGAGATTGTCACTinsGA variant in PKHD1 is a frameshift variant predicted to shift the reading frame beginning at codon 2092 and leads to a stop codon 12 codons downstream. This variant is expected to result in nonsense mediated decay, truncation, or a dysfunctional protein product. This variant is rare in the general population with a frequency below the threshold expected for the associated phenotype(s). Given the available evidence, this variant is classified as Likely Pathogenic.

Women's Health and Genetics/Laboratory Corporation of America, LabCorp
Classification: Pathogenic for Autosomal recessive polycystic kidney disease. Last evaluated: 2023-12-26. Review status: criteria provided, single submitter. Criteria: LabCorp Variant Classification Summary - May 2015. Collection method: clinical testing. Allele origin: germline.
Comment: Variant summary: PKHD1 c.6273_6285delinsGA (p.Glu2092SerfsX12) results in a premature termination codon, predicted to cause absence of the protein due to nonsense mediated decay, which is a commonly known mechanism for disease. The variant was absent in 282502 control chromosomes (gnomAD). To our knowledge, no occurrence of c.6273_6285delinsGA in individuals affected with Polycystic Kidney And Hepatic Disease and no experimental evidence demonstrating its impact on protein function have been reported. No submitters have cited clinical-significance assessments for this variant to ClinVar after 2014. Based on the evidence outlined above, the variant was classified as pathogenic.

NM_138694.4(PKHD1):c.6273_6285delinsGA (p.Glu2092fs)

Gene: PKHD1 (PKHD1 ciliary IPT domain containing fibrocystin/polyductin; minus strand). Cytogenetic location: 6p12.2.
Variant type: Indel.
Coding change: c.6273_6285delinsGA on transcript NM_138694.4 (MANE Select); coding-DNA positions 6273 to 6285, AGAGATTGTCACT replaced by GA.
Protein change: p.Glu2092fs; shifts the reading frame from glutamic acid 2092.
Molecular consequence: frameshift variant.
Genome position (GRCh38, 1-based): chr6:51,912,413-51,912,425, AGTGACAATCTCT replaced by TC on the plus strand (AGAGATTGTCACT replaced by GA on the coding strand, the reverse complement: PKHD1 is on the minus strand). VCF-style: chr6-51912413-AGTGACAATCTCT-TC. GRCh37 (hg19) VCF-style: chr6-51777211-AGTGACAATCTCT-TC.
Other names: c.6273_6285delinsGA, p.Glu2092fs (NM_170724.3); c.6273_6285delAGAGATTGTCACTinsGA (NM_138694.3); short protein forms E2092fs.
Identifiers: ClinVar variation 2691417 (VCV002691417.2), dbSNP rs2536680046, ClinGen allele CA2697553475.